The following is an entry in ClinVar:

ClinVar aggregate classification (germline): Likely benign (1 of 4 stars; one submission).

gnomAD v4.1: 1 of 1,186,030 alleles (0.000084%); highest among the groups gnomAD compares: Non-Finnish European, 0.00011%; no homozygotes.

Submission:

CeGaT Center for Human Genetics Tuebingen
Classification: Likely benign. Last evaluated: 2025-09-01. Review status: criteria provided, single submitter. Criteria: CeGaT Center For Human Genetics Tuebingen Variant Classification Criteria Version 2. Collection method: clinical testing. Allele origin: germline. Affected: yes. Observed: 1 variant allele.
Comment: SMC1A: BP4, BP7

NM_006306.4(SMC1A):c.109+572C>T

Gene: SMC1A (structural maintenance of chromosomes 1A; minus strand). Cytogenetic location: Xp11.22.
Variant type: single nucleotide variant.
Coding change: c.109+572C>T on transcript NM_006306.4 (MANE Select); 572 bases into the intron after coding-DNA position 109, C replaced by T.
Molecular consequence: intron variant. On other transcripts: synonymous variant (1).
Genome position (GRCh38, 1-based): chrX:53,421,920, G>A on the plus strand (C>T on the coding strand, the complement: SMC1A is on the minus strand). VCF-style: chrX-53421920-G-A. GRCh37 (hg19) VCF-style: chrX-53448870-G-A.
Other names: c.18C>T, p.Ile6= (NM_001281463.1).
Identifiers: ClinVar variation 4281313 (VCV004281313.7).